The following is an entry in ClinVar:

ClinVar aggregate classification (germline): Uncertain significance (1 of 4 stars; one submission).

Conditions:
Inborn genetic diseases. Identifiers: MedGen C0950123, MeSH D030342.

Allele frequency attached by ClinVar (database versions not stated): ExAC 0.00002.
gnomAD v4.1: 15 of 1,613,356 alleles (0.00093%); highest among the groups gnomAD compares: Middle Eastern, 0.017%; no homozygotes.

Submission:

Ambry Genetics
Classification: Uncertain significance for Inborn genetic diseases. Last evaluated: 2021-03-25. Review status: criteria provided, single submitter. Criteria: Ambry Variant Classification Scheme 2023. Collection method: clinical testing. Allele origin: germline.
Comment: The c.1870G>A (p.G624R) alteration is located in exon 16 (coding exon 16) of the ATAD3A gene. This alteration results from a G to A substitution at nucleotide position 1870, causing the glycine (G) at amino acid position 624 to be replaced by an arginine (R). The p.G624R alteration is predicted to be tolerated by in silico analysis. Based on insufficient or conflicting evidence, the clinical significance of this alteration remains unclear.

NM_001170535.3(ATAD3A):c.1726G>A (p.Gly576Arg)

Gene: ATAD3A (ATPase family AAA domain containing 3A; plus strand). Cytogenetic location: 1p36.33.
Variant type: single nucleotide variant.
Coding change: c.1726G>A on transcript NM_001170535.3 (MANE Select); coding-DNA position 1726, G replaced by A.
Protein change: p.Gly576Arg; replaces glycine 576 with arginine.
Molecular consequence: missense variant.
Genome position (GRCh38, 1-based): chr1:1,534,037, G>A. VCF-style: chr1-1534037-G-A. GRCh37 (hg19) VCF-style: chr1-1469417-G-A.
Other names: c.1489G>A, p.Gly497Arg (NM_001170536.3); c.1870G>A, p.Gly624Arg (NM_018188.5); short protein forms G624R, G497R, G576R.
Identifiers: ClinVar variation 2228360 (VCV002228360.2), dbSNP rs769601090, ClinGen allele CA526565.